The following is an entry in ClinVar:

ClinVar aggregate classification (germline): Uncertain significance (1 of 4 stars; one submission).

Submission:

Labcorp Genetics (formerly Invitae), Labcorp
Classification: Uncertain significance. Last evaluated: 2022-07-05. Review status: criteria provided, single submitter. Criteria: Invitae Variant Classification Sherloc (09022015). Collection method: clinical testing. Allele origin: germline.
Comment: This variant has not been reported in the literature in individuals affected with ERCC6L2-related conditions. This variant, c.4676_4678dup, results in the insertion of 1 amino acid(s) of the ERCC6L2 protein (p.Ser1559dup), but otherwise preserves the integrity of the reading frame. This variant is present in population databases (rs763480653, gnomAD 0.009%). ClinVar contains an entry for this variant (Variation ID: 1360707). Experimental studies and prediction algorithms are not available or were not evaluated, and the functional significance of this variant is currently unknown. In summary, the available evidence is currently insufficient to determine the role of this variant in disease. Therefore, it has been classified as a Variant of Uncertain Significance.

NM_020207.7(ERCC6L2):c.4643_4645dup (p.Ser1548dup)

Gene: ERCC6L2 (ERCC excision repair 6 like 2; plus strand). Cytogenetic location: 9q22.32.
Variant type: Duplication.
Coding change: c.4643_4645dup on transcript NM_020207.7 (MANE Select); coding-DNA positions 4643 to 4645, 3 bases duplicated (GTA; older notation c.4643_4645dupGTA).
Protein change: p.Ser1548dup; duplicates serine 1548.
Molecular consequence: inframe insertion. On other transcripts: non-coding transcript variant (1), intron variant (2).
Genome position (GRCh38, 1-based): chr9:96,013,193-96,013,195, GTA duplicated; duplicating any 3 consecutive bases within chr9:96,013,192-96,013,195 gives the same sequence; the c. name uses the placement nearest the transcript's 3' end. VCF-style (leftmost placement, unchanged base first): chr9-96013191-G-GAGT. GRCh37 (hg19) VCF-style: chr9-98775473-G-GAGT.
Other names: c.3674+8492_3674+8494dup (NM_001375291.1, NM_001375292.1).
Identifiers: ClinVar variation 1360707 (VCV001360707.7), dbSNP rs763480653, ClinGen allele CA5140142.